The following is an entry in ClinVar:

ClinVar aggregate classification (germline): Pathogenic/Likely pathogenic. Review status: criteria provided, multiple submitters, no conflicts (2 of 4 stars). 2 submissions from 2 submitters: Pathogenic (1); Likely pathogenic (1). Last evaluated 2026-02-06.

Conditions:
Autosomal recessive titinopathy. Identifiers: MedGen CN315649, MONDO:0100493.
Dilated cardiomyopathy 1G (CMD1G). Identifiers: Orphanet 154, MedGen C1858763, MONDO:0011400, OMIM 604145.
Autosomal recessive limb-girdle muscular dystrophy type 2J (LGMDR10). Also called: Limb-girdle muscular dystrophy, type 2J; MUSCULAR DYSTROPHY, LIMB-GIRDLE, AUTOSOMAL RECESSIVE 10. Identifiers: Orphanet 140922, MedGen C1837342, MONDO:0012127, OMIM 608807.

Submissions (2):

Myofin, Folkhalsan Research Center
Classification: Pathogenic for Autosomal recessive titinopathy. Last evaluated: 2026-02-06. Review status: criteria provided, single submitter. Criteria: ACMG Guidelines, 2015. Collection method: research. Allele origin: germline. Affected: yes.
Comment: TTN loss-of-function is an established mechanism for autosomal recessive titinopathies. ACMG/AMP criteria applied: PVS1 (predicted loss of function), PM2_Supporting (absent/rare in population databases), and PP4_Supporting (highly consistent clinical phenotype). Overall classification: Pathogenic for recessive titinopathy.

Labcorp Genetics (formerly Invitae), Labcorp
Classification: Likely pathogenic for Dilated cardiomyopathy 1G; Autosomal recessive limb-girdle muscular dystrophy type 2J. Last evaluated: 2024-11-04. Review status: criteria provided, single submitter. Criteria: Invitae Variant Classification Sherloc (09022015). Collection method: clinical testing. Allele origin: germline.
Comment: This sequence change creates a premature translational stop signal (p.Trp8676Cysfs*16) in the TTN gene. While this is not anticipated to result in nonsense mediated decay, it is expected to create a truncated TTN protein. This variant is present in population databases (rs758533436, gnomAD 0.005%). This premature translational stop signal has been observed in individual(s) with skeletal muscle disorders (PMID: 32039858). ClinVar contains an entry for this variant (Variation ID: 1386665). This variant is located in the I band of TTN (PMID: 25589632). Truncating variants in this region have been reported in individuals affected with autosomal recessive centronuclear myopathy (PMID: 23975875, internal data). Truncating variants in this region have also been identified in individuals affected with autosomal dominant dilated cardiomyopathy and/or cardio-related conditions (PMID: 27869827, 32964742, internal data). In summary, the currently available evidence indicates that the variant is pathogenic, but additional data are needed to prove that conclusively. Therefore, this variant has been classified as Likely Pathogenic.

Literature cited by the submitters: DOI 10.1101/2025.07.17.25331117 (cited by Myofin, Folkhalsan Research Center); PubMed 32039858 (cited by Labcorp Genetics (formerly Invitae), Labcorp); PubMed 25589632 (cited by Labcorp Genetics (formerly Invitae), Labcorp); PubMed 23975875 (cited by Labcorp Genetics (formerly Invitae), Labcorp); PubMed 27869827 (cited by Labcorp Genetics (formerly Invitae), Labcorp); PubMed 32964742 (cited by Labcorp Genetics (formerly Invitae), Labcorp).

NM_001267550.2(TTN):c.26028del (p.Trp8676fs)

Gene: TTN (titin; minus strand). Cytogenetic location: 2q31.2.
Variant type: Deletion.
Coding change: c.26028del on transcript NM_001267550.2 (MANE Select); coding-DNA position 26028, one base deleted (G; older notation c.26028delG).
Protein change: p.Trp8676fs; shifts the reading frame from tryptophan 8676.
Molecular consequence: frameshift variant. On other transcripts: intron variant (3).
Genome position (GRCh38, 1-based): chr2:178,715,158, C deleted on the plus strand (G on the coding strand, the reverse complement: TTN is on the minus strand); the first of 2 consecutive C bases (chr2:178,715,158-178,715,159); deleting either gives the same sequence. VCF-style (leftmost placement, unchanged base first): chr2-178715157-AC-A. GRCh37 (hg19) VCF-style: chr2-179579884-AC-A.
Other names: c.25077del, p.Trp8359fs (NM_001256850.1); c.22296del, p.Trp7432fs (NM_133378.4); c.13282+22924del (NM_003319.4); c.13858+22924del (NM_133437.4); c.13657+22924del (NM_133432.3); short protein forms W7432fs, W8359fs, W8676fs.
Identifiers: ClinVar variation 1386665 (VCV001386665.8), dbSNP rs758533436, ClinGen allele CA2000082.
Genomic context (GRCh38, chr2:178,715,157, plus strand): 5'-GGAAGTTCTCAGACATTATCTTGTACTTCTTGCCGCTCCTAAGTTCTCTCTTGTCTTTAT[AC>A]CAAGAAACGTGAAATGGGGGAGTGCCCTGAAGCTCACATTCAAGGTGAACATCAGCTCCT-3'